The following is an entry in ClinVar:

ClinVar aggregate classification (germline): Conflicting classifications of pathogenicity. Review status: criteria provided, conflicting classifications (1 of 4 stars). 3 submissions from 3 submitters: Uncertain significance (1); Likely benign (2). Last evaluated 2025-08-14.

Conditions:
Juvenile polyposis syndrome (JPS). Identifiers: Orphanet 2929, MedGen C0345893, MONDO:0017380, OMIM 174900.

Allele frequency attached by ClinVar (database versions not stated): gnomAD exomes below 0.00001.
gnomAD v4.1: 1 of 1,613,944 alleles (0.000062%); highest among the groups gnomAD compares: African/African-American, 0.0013%; no homozygotes.

Submissions (3):

Labcorp Genetics (formerly Invitae), Labcorp
Classification: Likely benign for Juvenile polyposis syndrome. Last evaluated: 2025-08-14. Review status: criteria provided, single submitter. Criteria: Invitae Variant Classification Sherloc (09022015). Collection method: clinical testing. Allele origin: germline.

Myriad Genetics, Inc.
Classification: Likely benign for Juvenile polyposis syndrome. Last evaluated: 2024-08-02. Review status: criteria provided, single submitter. Criteria: Myriad Autosomal Dominant, Autosomal Recessive and X-Linked Classification Criteria (2023). Collection method: clinical testing. Allele origin: unknown.
Comment: This variant is considered likely benign. This variant is intronic and is not expected to impact mRNA splicing.

Quest Diagnostics Nichols Institute San Juan Capistrano
Classification: Uncertain significance. Last evaluated: 2021-08-06. Review status: criteria provided, single submitter. Criteria: Quest Diagnostics criteria. Collection method: clinical testing. Allele origin: unknown.

NM_004329.3(BMPR1A):c.675+8A>G

Gene: BMPR1A (bone morphogenetic protein receptor type 1A; plus strand). Cytogenetic location: 10q23.2.
Variant type: single nucleotide variant.
Coding change: c.675+8A>G on transcript NM_004329.3 (MANE Select); 8 bases into the intron after coding-DNA position 675, A replaced by G.
Molecular consequence: intron variant.
Genome position (GRCh38, 1-based): chr10:86,912,392, A>G. VCF-style: chr10-86912392-A-G. GRCh37 (hg19) VCF-style: chr10-88672149-A-G.
Identifiers: ClinVar variation 460508 (VCV000460508.12), dbSNP rs1554890236, ClinGen allele CA658657982.